The following is an entry in ClinVar:

ClinVar aggregate classification (germline): Uncertain significance (1 of 4 stars; one submission).

Allele frequency attached by ClinVar (database versions not stated): gnomAD exomes below 0.00001 and 0.00001; ExAC 0.00001.
gnomAD v4.1: 5 of 1,613,794 alleles (0.00031%); highest among the groups gnomAD compares: Non-Finnish European, 0.00034%; no homozygotes.

Submission:

Labcorp Genetics (formerly Invitae), Labcorp
Classification: Uncertain significance. Last evaluated: 2025-09-02. Review status: criteria provided, single submitter. Criteria: Invitae Variant Classification Sherloc (09022015). Collection method: clinical testing. Allele origin: germline.
Comment: This sequence change falls in intron 8 of the USH2A gene. It does not directly change the encoded amino acid sequence of the USH2A protein. This variant is present in population databases (rs770011395, gnomAD 0.0009%). This variant has been observed in individual(s) with retinal disease and/or retinitis pigmentosa (PMID: 33576794, 36460718). ClinVar contains an entry for this variant (Variation ID: 1380169). Algorithms developed to predict the effect of sequence changes on RNA splicing suggest that this variant may disrupt the consensus splice site. In summary, the available evidence is currently insufficient to determine the role of this variant in disease. Therefore, it has been classified as a Variant of Uncertain Significance.

Literature cited by the submitters: PubMed 33576794; PubMed 36460718.

NM_206933.4(USH2A):c.1551-5T>G

Gene: USH2A (usherin; minus strand). Cytogenetic location: 1q41.
Variant type: single nucleotide variant.
Coding change: c.1551-5T>G on transcript NM_206933.4 (MANE Select); 5 bases into the intron before coding-DNA position 1551, T replaced by G.
Molecular consequence: intron variant.
Genome position (GRCh38, 1-based): chr1:216,321,981, A>C on the plus strand (T>G on the coding strand, the complement: USH2A is on the minus strand). VCF-style: chr1-216321981-A-C. GRCh37 (hg19) VCF-style: chr1-216495323-A-C.
Other names: c.1551-5T>G (NM_007123.6).
Identifiers: ClinVar variation 1380169 (VCV001380169.6), dbSNP rs770011395, ClinGen allele CA1396474.
Genomic context (GRCh38, chr1:216,321,981, plus strand): 5'-ATCTATATGGCTGGCTTGTTGTGTCGCAGTTATCGGCATGACCATGGCACTGACATCTGC[A>C]AACATGAGCATCACACACTCCTAAGGAACACCAACTCAACTGTGAATATATTTAAGGTCC-3'